The following is an entry in ClinVar:

ClinVar aggregate classification (germline): Uncertain significance (1 of 4 stars; one submission).

gnomAD v4.1: 9 of 1,614,102 alleles (0.00056%); highest among the groups gnomAD compares: Admixed American, 0.005%; no homozygotes.

Submission:

Centre of Medical Genetics, University Hospital Muenster
Classification: Uncertain significance. Last evaluated: 2021-12-08. Review status: criteria provided, single submitter. Criteria: ACMG Guidelines, 2015. Collection method: clinical testing. Allele origin: unknown. Affected: yes. Observed: 1 variant allele, 1 heterozygote.
Comment: ACMG categories: PM1,PM2,BP1

NM_001282717.2(STAG3):c.623A>G (p.Tyr208Cys)

Gene: STAG3 (STAG3 cohesin complex component; plus strand). Cytogenetic location: 7q22.1.
Variant type: single nucleotide variant.
Coding change: c.623A>G on transcript NM_001282717.2 (MANE Select); coding-DNA position 623, A replaced by G.
Protein change: p.Tyr208Cys; replaces tyrosine 208 with cysteine.
Molecular consequence: missense variant.
Genome position (GRCh38, 1-based): chr7:100,188,924, A>G. VCF-style: chr7-100188924-A-G. GRCh37 (hg19) VCF-style: chr7-99786547-A-G.
Other names: c.623A>G, p.Tyr208Cys (NM_001282716.1, NM_001375438.1, NM_012447.4); c.449A>G, p.Tyr150Cys (NM_001282718.2); short protein forms Y150C, Y208C.
Identifiers: ClinVar variation 1708338 (VCV001708338.3), dbSNP rs1165337774, ClinGen allele CA368488113.